The following is an entry in ClinVar:

ClinVar aggregate classification (germline): Uncertain significance. Review status: criteria provided, multiple submitters, no conflicts (2 of 4 stars). 2 submissions from 2 submitters: Uncertain significance (2). Last evaluated 2025-01-21.

Conditions:
Inborn genetic diseases. Identifiers: MedGen C0950123, MeSH D030342.

Allele frequency attached by ClinVar (database versions not stated): gnomAD exomes 0.00001; ExAC 0.00002; TOPMed 0.00002; gnomAD 0.00003.
gnomAD v4.1: 19 of 1,613,226 alleles (0.0012%); highest among the groups gnomAD compares: African/African-American, 0.004%; no homozygotes.

Submissions (2):

Ambry Genetics
Classification: Uncertain significance for Inborn genetic diseases. Last evaluated: 2025-01-21. Review status: criteria provided, single submitter. Criteria: Ambry Variant Classification Scheme 2023. Collection method: clinical testing. Allele origin: germline.

Labcorp Genetics (formerly Invitae), Labcorp
Classification: Uncertain significance. Last evaluated: 2022-08-17. Review status: criteria provided, single submitter. Criteria: Invitae Variant Classification Sherloc (09022015). Collection method: clinical testing. Allele origin: germline.
Comment: This sequence change replaces aspartic acid, which is acidic and polar, with asparagine, which is neutral and polar, at codon 189 of the SLC6A19 protein (p.Asp189Asn). This variant is present in population databases (rs375231132, gnomAD 0.004%). This variant has not been reported in the literature in individuals affected with SLC6A19-related conditions. Algorithms developed to predict the effect of missense changes on protein structure and function output the following: SIFT: "Deleterious"; PolyPhen-2: "Benign"; Align-GVGD: "Class C0". The asparagine amino acid residue is found in multiple mammalian species, which suggests that this missense change does not adversely affect protein function. In summary, the available evidence is currently insufficient to determine the role of this variant in disease. Therefore, it has been classified as a Variant of Uncertain Significance.

NM_001003841.3(SLC6A19):c.565G>A (p.Asp189Asn)

Gene: SLC6A19 (solute carrier family 6 member 19; plus strand). Cytogenetic location: 5p15.33.
Variant type: single nucleotide variant.
Coding change: c.565G>A on transcript NM_001003841.3 (MANE Select); coding-DNA position 565, G replaced by A.
Protein change: p.Asp189Asn; replaces aspartic acid 189 with asparagine.
Molecular consequence: missense variant.
Genome position (GRCh38, 1-based): chr5:1,212,386, G>A. VCF-style: chr5-1212386-G-A. GRCh37 (hg19) VCF-style: chr5-1212501-G-A.
Other names: c.565G>A (NM_001003841.2); short protein forms D189N.
Identifiers: ClinVar variation 2174385 (VCV002174385.2), dbSNP rs375231132, ClinGen allele CA3182769.